The following is an entry in ClinVar:

NM_001999.4(FBN2):c.8603A>G (p.Tyr2868Cys)

Gene: FBN2 (fibrillin 2; minus strand). Cytogenetic location: 5q23.3.
Variant type: single nucleotide variant.
Coding change: c.8603A>G on transcript NM_001999.4 (MANE Select); coding-DNA position 8603, A replaced by G.
Protein change: p.Tyr2868Cys; replaces tyrosine 2868 with cysteine.
Molecular consequence: missense variant.
Genome position (GRCh38, 1-based): chr5:128,259,591, T>C on the plus strand (A>G on the coding strand, the complement: FBN2 is on the minus strand). VCF-style: chr5-128259591-T-C. GRCh37 (hg19) VCF-style: chr5-127595283-T-C.
Other names: short protein forms Y2868C.
Identifiers: ClinVar variation 4703637 (VCV004703637.1).
Genomic context (GRCh38, chr5:128,259,591, plus strand): 5'-TCTTCCAGTTTCTTAAGCTCCTTCTTCTTGTAGAGAGGGATGCTAGTGATTTCCAGTGTG[T>C]ATGTGCCGGGCATGAGCTTCTTCTTGGCCGTGTGCAAGTAGCTGAGCCCATTCCTTTGGT-3'
Protein context (NP_001990.2, residues 2858-2878): TAKKKLMPGT[Tyr2868Cys]TLEITSIPLY

ClinVar aggregate classification (germline): Uncertain significance (1 of 4 stars; one submission).

Conditions:
Congenital contractural arachnodactyly (CCA). Also called: Arthrogryposis, distal, type 9; BEALS SYNDROME; Beals-Hecht syndrome. Identifiers: Orphanet 115, MedGen C0220668, MONDO:0007363, OMIM 121050.

Submission:

Labcorp Genetics (formerly Invitae), Labcorp
Classification: Uncertain significance for Congenital contractural arachnodactyly. Last evaluated: 2025-05-26. Review status: criteria provided, single submitter. Criteria: Invitae Variant Classification Sherloc (09022015). Collection method: clinical testing. Allele origin: germline.
Comment: This sequence change replaces tyrosine, which is neutral and polar, with cysteine, which is neutral and slightly polar, at codon 2868 of the FBN2 protein (p.Tyr2868Cys). This variant is not present in population databases (gnomAD no frequency). This variant has not been reported in the literature in individuals affected with FBN2-related conditions. Invitae Evidence Modeling of protein sequence and biophysical properties (such as structural, functional, and spatial information, amino acid conservation, physicochemical variation, residue mobility, and thermodynamic stability) indicates that this missense variant is expected to disrupt FBN2 protein function with a positive predictive value of 80%. In summary, the available evidence is currently insufficient to determine the role of this variant in disease. Therefore, it has been classified as a Variant of Uncertain Significance.